The following is an entry in ClinVar:

ClinVar aggregate classification (germline): Uncertain significance. Review status: criteria provided, multiple submitters, no conflicts (2 of 4 stars). 2 submissions from 2 submitters: Uncertain significance (2). Last evaluated 2026-03-27.

Conditions:
Inborn genetic diseases. Identifiers: MedGen C0950123, MeSH D030342.
Agammaglobulinemia 7, autosomal recessive (AGM7). Also called: AGAMMAGLOBULINEMIA, AUTOSOMAL RECESSIVE, DUE TO PIK3R1 DEFECT. Identifiers: MedGen C3554689, MONDO:0014083, OMIM 615214.
SHORT syndrome. Also called: SHORT STATURE, HYPEREXTENSIBILITY, HERNIA, OCULAR DEPRESSION, RIEGER ANOMALY, AND TEETHING DELAY; LIPODYSTROPHY, PARTIAL, WITH RIEGER ANOMALY AND SHORT STATURE; PIK3R1-Related SHORT Syndrome. Identifiers: Orphanet 3163, MedGen C0878684, MONDO:0010026, OMIM 269880.
Immunodeficiency 36 with lymphoproliferation. Also called: Immunodeficiency 36; Activated PI3K Delta Syndrome Type 2 (APDS2); ACTIVATED PI3K-DELTA SYNDROME 2. Identifiers: Orphanet 397596, Orphanet 693681, MedGen C4014934, MONDO:0014453, OMIM 616005.

Submissions (2):

Ambry Genetics
Classification: Uncertain significance for Inborn genetic diseases. Last evaluated: 2026-03-27. Review status: criteria provided, single submitter. Criteria: Ambry Variant Classification Scheme 2023. Collection method: clinical testing. Allele origin: germline.

Labcorp Genetics (formerly Invitae), Labcorp
Classification: Uncertain significance for SHORT syndrome; Immunodeficiency 36 with lymphoproliferation; Agammaglobulinemia 7, autosomal recessive. Last evaluated: 2025-11-05. Review status: criteria provided, single submitter. Criteria: Invitae Variant Classification Sherloc (09022015). Collection method: clinical testing. Allele origin: germline.
Comment: This sequence change replaces asparagine, which is neutral and polar, with serine, which is neutral and polar, at codon 673 of the PIK3R1 protein (p.Asn673Ser). This variant is not present in population databases (gnomAD no frequency). This variant has not been reported in the literature in individuals affected with PIK3R1-related conditions. Invitae Evidence Modeling of protein sequence and biophysical properties (such as structural, functional, and spatial information, amino acid conservation, physicochemical variation, residue mobility, and thermodynamic stability) indicates that this missense variant is not expected to disrupt PIK3R1 protein function with a negative predictive value of 80%. In summary, the available evidence is currently insufficient to determine the role of this variant in disease. Therefore, it has been classified as a Variant of Uncertain Significance.

NM_181523.3(PIK3R1):c.2018A>G (p.Asn673Ser)

Gene: PIK3R1 (phosphoinositide-3-kinase regulatory subunit 1; plus strand). Cytogenetic location: 5q13.1.
Variant type: single nucleotide variant.
Coding change: c.2018A>G on transcript NM_181523.3 (MANE Select); coding-DNA position 2018, A replaced by G.
Protein change: p.Asn673Ser; replaces asparagine 673 with serine.
Molecular consequence: missense variant.
Genome position (GRCh38, 1-based): chr5:68,297,444, A>G. VCF-style: chr5-68297444-A-G. GRCh37 (hg19) VCF-style: chr5-67593272-A-G.
Other names: c.2018A>G (NM_181523.2); c.929A>G, p.Asn310Ser (NM_001242466.2); c.1208A>G, p.Asn403Ser (NM_181504.4); c.1118A>G, p.Asn373Ser (NM_181524.2); short protein forms N373S, N403S, N310S, N673S.
Identifiers: ClinVar variation 4783139 (VCV004783139.2).